The following is an entry in ClinVar:

NC_012920.1(MT-TL1):m.3290T>C

Gene: MT-TL1 (mitochondrially encoded tRNA leucine 1 (UUA/G); plus strand).
Variant type: single nucleotide variant.
Genome position: chrM-3290-T-C.
Other names: 3290T-C.
Identifiers: ClinVar variation 9597 (VCV000009597.2), dbSNP rs199474665, ClinGen allele CA120567.
Genomic context (GRCh38, chrMT:3,290, plus strand): 5'-GTTAAGATGGCAGAGCCCGGTAATCGCATAAAACTTAAAACTTTACAGTCAGAGGTTCAA[T>C]TCCTCTTCTTAACAACATACCCATGGCCAACCTCCTACTCCTCATTGTACCCATTCTAAT-3'

ClinVar aggregate classification (germline): Benign. Review status: criteria provided, single submitter (1 of 4 stars). 2 submissions from 2 submitters: Benign (1). 1 of the submissions does not count toward it. Last evaluated 2019-07-12.

Conditions:
MELAS syndrome (MELAS). Also called: Juvenile myopathy, encephalopathy, lactic acidosis, stroke. Identifiers: Orphanet 550, MedGen C0162671, MONDO:0010789, OMIM 540000.
SUDDEN INFANT DEATH SYNDROME (SIDS). Also called: Sudden Infant Death. Identifiers: MedGen C0038644, MeSH D013398, OMIM 272120.

Submissions (2):

Wong Mito Lab, Molecular and Human Genetics, Baylor College of Medicine
Classification: Benign for MELAS syndrome. Last evaluated: 2019-07-12. Review status: criteria provided, single submitter. Criteria: Modified ACMG Guidelines (Unpublished). Collection method: clinical testing. Allele origin: germline.
Comment: The NC_012920.1:m.3290T>C variant in MT-TL1 gene is interpreted to be a Benign variant based on the modified ACMG guidelines (unpublished). This variant meets the following evidence codes reported in the guidelines: BS1, BS4, BP4

OMIM
Classification: Pathogenic for SUDDEN INFANT DEATH SYNDROME. Last evaluated: 1999-09-01. Review status: no assertion criteria provided. Collection method: literature only. Allele origin: germline. Not counted in ClinVar's aggregate classification.

Literature cited by the submitters: PubMed 31965079 (cited by Wong Mito Lab, Molecular and Human Genetics, Baylor College of Medicine); PubMed 10519336 (cited by OMIM).